The following is an entry in ClinVar:

ClinVar aggregate classification (germline): Likely benign. Review status: criteria provided, multiple submitters, no conflicts (2 of 4 stars). 3 submissions from 3 submitters: Likely benign (3). Last evaluated 2025-10-24.

gnomAD v4.1: 54 of 1,490,742 alleles (0.0036%); highest among the groups gnomAD compares: Non-Finnish European, 0.0046%; 2 homozygotes.

Submissions (3):

Labcorp Genetics (formerly Invitae), Labcorp
Classification: Likely benign. Last evaluated: 2025-10-24. Review status: criteria provided, single submitter. Criteria: Invitae Variant Classification Sherloc (09022015). Collection method: clinical testing. Allele origin: germline.

Blueprint Genetics
Classification: Likely benign. Last evaluated: 2024-09-16. Review status: criteria provided, single submitter. Criteria: ACMG Guidelines, 2015. Collection method: clinical testing. Allele origin: germline.

CeGaT Center for Human Genetics Tuebingen
Classification: Likely benign. Last evaluated: 2024-01-01. Review status: criteria provided, single submitter. Criteria: CeGaT Center For Human Genetics Tuebingen Variant Classification Criteria Version 2. Collection method: clinical testing. Allele origin: germline. Affected: yes. Observed: 3 variant alleles.
Comment: CNOT3: BP4

NM_014516.4(CNOT3):c.895-4G>T

Gene: CNOT3 (CCR4-NOT transcription complex subunit 3; plus strand). Cytogenetic location: 19q13.42.
Variant type: single nucleotide variant.
Coding change: c.895-4G>T on transcript NM_014516.4 (MANE Select); 4 bases into the intron before coding-DNA position 895, G replaced by T.
Molecular consequence: intron variant.
Genome position (GRCh38, 1-based): chr19:54,148,144, G>T. VCF-style: chr19-54148144-G-T. GRCh37 (hg19) VCF-style: chr19-54651879-G-T.
Identifiers: ClinVar variation 1971474 (VCV001971474.30), dbSNP rs767027855, ClinGen allele CA309339536.